The following is an entry in ClinVar:

NM_004380.3(CREBBP):c.5406G>A (p.Val1802=)

Gene: CREBBP (CREB binding lysine acetyltransferase; minus strand). Cytogenetic location: 16p13.3.
Variant type: single nucleotide variant.
Coding change: c.5406G>A on transcript NM_004380.3 (MANE Select); coding-DNA position 5406, G replaced by A.
Protein change: p.Val1802=; no amino-acid change (valine 1802 retained).
Molecular consequence: synonymous variant.
Genome position (GRCh38, 1-based): chr16:3,729,641, C>T on the plus strand (G>A on the coding strand, the complement: CREBBP is on the minus strand). VCF-style: chr16-3729641-C-T. GRCh37 (hg19) VCF-style: chr16-3779642-C-T.
Other names: c.5292G>A, p.Val1764= (NM_001079846.1).
Identifiers: ClinVar variation 3234735 (VCV003234735.20), dbSNP rs563965527, ClinGen allele CA7869282.
Genomic context (GRCh38, chr16:3,729,641, plus strand): 5'-GAGCTGCTTGCACACCGGGCAGCCCCCGTTGGTCTTGCGTTTGCAGCCCTTGGTGTGCTG[C>T]ACCACCCGCTTCATCTTCTGGCAGGATGGCAGCGAGCAGTTGGCGTTGCGGCACTGGCAC-3'
Protein context (NP_004371.2, residues 1792-1812): LPSCQKMKRV[Val1802=]QHTKGCKRKT

ClinVar aggregate classification (germline): Likely benign (1 of 4 stars; one submission).

Allele frequency attached by ClinVar (database versions not stated): ExAC 0.00001; 1000 Genomes Project 30x 0.00016; 1000 Genomes Project 0.00020.
gnomAD v4.1: 5 of 1,614,046 alleles (0.00031%); highest among the groups gnomAD compares: Non-Finnish European, 0.00042%; no homozygotes.

Submission:

CeGaT Center for Human Genetics Tuebingen
Classification: Likely benign. Last evaluated: 2024-04-01. Review status: criteria provided, single submitter. Criteria: CeGaT Center For Human Genetics Tuebingen Variant Classification Criteria Version 2. Collection method: clinical testing. Allele origin: germline. Affected: yes. Observed: 1 variant allele.
Comment: CREBBP: BP4, BP7